The following is an entry in ClinVar:

NM_001267550.2(TTN):c.73303C>A (p.Arg24435Ser)

Genes: TTN (titin; minus strand), TTN-AS1 (TTN antisense RNA 1; plus strand). Cytogenetic location: 2q31.2.
Variant type: single nucleotide variant.
Coding change: c.73303C>A on transcript NM_001267550.2 (MANE Select); coding-DNA position 73303, C replaced by A.
Protein change: p.Arg24435Ser; replaces arginine 24435 with serine.
Molecular consequence: missense variant.
Genome position (GRCh38, 1-based): chr2:178,572,829, G>T on the plus strand (C>A on the coding strand, the complement: TTN is on the minus strand). VCF-style: chr2-178572829-G-T. GRCh37 (hg19) VCF-style: chr2-179437556-G-T.
Other names: c.68380C>A, p.Arg22794Ser (NM_001256850.1); c.46108C>A, p.Arg15370Ser (NM_003319.4); c.65599C>A, p.Arg21867Ser (NM_133378.4); c.46483C>A, p.Arg15495Ser (NM_133432.3); c.46684C>A, p.Arg15562Ser (NM_133437.4); short protein forms R15370S, R15495S, R15562S, R21867S, R22794S, R24435S.
Identifiers: ClinVar variation 3365049 (VCV003365049.1).

ClinVar aggregate classification (germline): Uncertain significance (1 of 4 stars; one submission).

gnomAD v4.1: 3 of 1,613,332 alleles (0.00019%); highest among the groups gnomAD compares: Non-Finnish European, 0.00025%; no homozygotes.

Submission:

GeneDx
Classification: Uncertain significance. Last evaluated: 2023-11-30. Review status: criteria provided, single submitter. Criteria: GeneDx Variant Classification Process June 2021. Collection method: clinical testing. Allele origin: germline. Affected: yes.
Comment: Not observed at significant frequency in large population cohorts (gnomAD); Missense variant in a gene in which most reported pathogenic variants are truncating/loss of function; Has not been previously published as pathogenic or benign to our knowledge